The following is an entry in ClinVar:

NM_002291.3(LAMB1):c.2315-28A>G

Gene: LAMB1 (laminin subunit beta 1; minus strand). Cytogenetic location: 7q31.1.
Variant type: single nucleotide variant.
Coding change: c.2315-28A>G on transcript NM_002291.3 (MANE Select); 28 bases into the intron before coding-DNA position 2315, A replaced by G.
Molecular consequence: intron variant.
Genome position (GRCh38, 1-based): chr7:107,959,862, T>C on the plus strand (A>G on the coding strand, the complement: LAMB1 is on the minus strand). VCF-style: chr7-107959862-T-C. GRCh37 (hg19) VCF-style: chr7-107600307-T-C.
Identifiers: ClinVar variation 981899 (VCV000981899.2), dbSNP rs778943882, ClinGen allele CA4435681.

ClinVar aggregate classification (germline): Conflicting classifications of pathogenicity. Review status: criteria provided, conflicting classifications (1 of 4 stars). 2 submissions from 2 submitters: Likely pathogenic (1); Uncertain significance (1). Last evaluated 2023-05-02.

Conditions:
Intellectual disability. Also called: Intellectual functioning disability; intellectual disabilities; Intellectual developmental disorder. Identifiers: MedGen C3714756, MeSH D008607, MONDO:0001071, HP:0001249.
Cobblestone lissencephaly without muscular or ocular involvement. Also called: Lissencephaly 5; LEUKOENCEPHALOPATHY WITH VARIABLE CORTICAL BRAIN MALFORMATIONS AND/OR HYDROCEPHALUS. Identifiers: Orphanet 352682, MedGen C3554657, MONDO:0014077, OMIM 615191.

Allele frequency attached by ClinVar (database versions not stated): TOPMed 0.00001; gnomAD exomes 0.00012 and 0.00022; gnomAD 0.00016 and 0.00015; ExAC 0.00019.
gnomAD v4.1: 192 of 1,605,814 alleles (0.012%); highest among the groups gnomAD compares: Non-Finnish European, 0.0017%; no homozygotes.

Submissions (2):

Broad Center for Mendelian Genomics, Broad Institute of MIT and Harvard
Classification: Likely pathogenic for Cobblestone lissencephaly without muscular or ocular involvement. Last evaluated: 2023-05-02. Review status: criteria provided, single submitter. Criteria: ACMG Guidelines, 2015. Collection method: curation. Allele origin: germline. Inheritance: Autosomal recessive inheritance.
Comment: Trio genome analysis revealed that this variant was in trans with a pathogenic variant (dbSNP ID: rs142670565). The c.2315-28A>G variant in LAMB1 has been reported in one individual with cobblestone lissencephaly without muscular or ocular involvement (PMID: 33710394), but has been identified in 0.1% (17/10620) of European (Finnish) chromosomes by the Genome Aggregation Database (gnomAD; dbSNP ID: rs778943882). Although this variant has been seen in the general population in a heterozygous state, its frequency is not high enough to rule out a pathogenic role. This variant has also been reported in ClinVar (Variation ID: 981899) and has been interpreted as a variant of uncertain significance by the Columbia University Center for Statistical Genetics. RNAseq performed on affected tissue (from the individual identified by our study) shows alternate splicing of exon 19. This variant is located in the 3‚Äô splice region. Computational tools do not suggest an impact to splicing. However, this information is not predictive enough to rule out pathogenicity. In summary, although additional studies are required to fully establish its clinical significance, this variant is likely pathogenic for autosomal recessive cobblestone lissencephaly without muscular or ocular involvement. ACMG/AMP Criteria applied: PS3_Moderate, PM3_Strong (Richards 2015).

Center for Statistical Genetics, Columbia University
Classification: Uncertain significance for Intellectual disability. Last evaluated: 2020-10-16. Review status: criteria provided, single submitter. Criteria: ACMG Guidelines, 2015. Collection method: research. Allele origin: inherited. Affected: yes.